The following is an entry in ClinVar:

ClinVar aggregate classification (germline): Likely pathogenic (1 of 4 stars; one submission).

Conditions:
Multiple congenital exostosis (EXT). Also called: MULTIPLE CARTILAGINOUS EXOSTOSES; Hereditary multiple exostoses; Hereditary multiple exostosis; Multiple exostoses; Multiple osteochondromas; Hereditary multiple osteochondromas. Identifiers: Orphanet 321, MedGen C0015306, MONDO:0005508, HP:0002762.

Submission:

Labcorp Genetics (formerly Invitae), Labcorp
Classification: Likely pathogenic for Multiple congenital exostosis. Last evaluated: 2024-03-04. Review status: criteria provided, single submitter. Criteria: Invitae Variant Classification Sherloc (09022015). Collection method: clinical testing. Allele origin: germline.
Comment: This sequence change replaces leucine, which is neutral and non-polar, with proline, which is neutral and non-polar, at codon 427 of the EXT1 protein (p.Leu427Pro). This variant is not present in population databases (gnomAD no frequency). This missense change has been observed in individual(s) with multiple osteochondromas (Invitae). ClinVar contains an entry for this variant (Variation ID: 843037). Advanced modeling of protein sequence and biophysical properties (such as structural, functional, and spatial information, amino acid conservation, physicochemical variation, residue mobility, and thermodynamic stability) performed at Invitae indicates that this missense variant is expected to disrupt EXT1 protein function with a positive predictive value of 80%. In summary, the currently available evidence indicates that the variant is pathogenic, but additional data are needed to prove that conclusively. Therefore, this variant has been classified as Likely Pathogenic.

NM_000127.3(EXT1):c.1280T>C (p.Leu427Pro)

Gene: EXT1 (exostosin glycosyltransferase 1; minus strand). Cytogenetic location: 8q24.11.
Variant type: single nucleotide variant.
Coding change: c.1280T>C on transcript NM_000127.3 (MANE Select); coding-DNA position 1280, T replaced by C.
Protein change: p.Leu427Pro; replaces leucine 427 with proline.
Molecular consequence: missense variant.
Genome position (GRCh38, 1-based): chr8:117,830,234, A>G on the plus strand (T>C on the coding strand, the complement: EXT1 is on the minus strand). VCF-style: chr8-117830234-A-G. GRCh37 (hg19) VCF-style: chr8-118842473-A-G.
Other names: short protein forms L427P.
Identifiers: ClinVar variation 843037 (VCV000843037.9), dbSNP rs1812075737, ClinGen allele CA371890082.
Genomic context (GRCh38, chr8:117,830,234, plus strand): 5'-AGAGAAGTGTATAAAGGACCATTATTCAAGCCCAAGAGCCAAGTGGTCTCACTTACCTCT[A>G]GTGTAGTTAATACAATCTTCTCAACTGAAGAAAAATAAGCCTCCCACAAGAATTGTGTCT-3'
Protein context (NP_000118.2, residues 417-437): SSVEKIVLTT[Leu427Pro]EIIQDRIFKH